The following is an entry in ClinVar:

ClinVar aggregate classification (germline): Conflicting classifications of pathogenicity. Review status: criteria provided, conflicting classifications (1 of 4 stars). 8 submissions from 8 submitters: Uncertain significance (5); Benign (1); Likely benign (2). Last evaluated 2025-12-24.

Conditions:
MAX-related disorder. Also called: MAX-related condition.
Hereditary pheochromocytoma and paraganglioma. Also called: Hereditary pheochromocytoma-paraganglioma; Hereditary paragangliomas and pheochromocytomas; Hereditary Paraganglioma-Pheochromocytoma Syndromes. Identifiers: Orphanet 29072, MedGen C4274332, MONDO:0017366.
Pheochromocytoma. Also called: MAX-Related Hereditary Paraganglioma-Pheochromocytoma Syndrome. Identifiers: Orphanet 29072, MedGen C0031511, MONDO:0008233, OMIM 171300, HP:0002666.
Hereditary cancer-predisposing syndrome. Also called: Hereditary neoplastic syndrome; Tumor predisposition; Hereditary Cancer Syndrome; Neoplastic Syndromes, Hereditary. Identifiers: Orphanet 140162, MedGen C0027672, MeSH D009386, MONDO:0015356.

Allele frequency attached by ClinVar (database versions not stated): gnomAD 0.00003 and 0.00004; TOPMed 0.00004.
gnomAD v4.1: 48 of 1,610,270 alleles (0.003%); highest among the groups gnomAD compares: Non-Finnish European, 0.00025%; no homozygotes.

Submissions (8):

Labcorp Genetics (formerly Invitae), Labcorp
Classification: Uncertain significance for Hereditary pheochromocytoma and paraganglioma. Last evaluated: 2025-12-24. Review status: criteria provided, single submitter. Criteria: Invitae Variant Classification Sherloc (09022015). Collection method: clinical testing. Allele origin: germline.
Comment: This sequence change replaces glutamine, which is neutral and polar, with leucine, which is neutral and non-polar, at codon 19 of the MAX protein (p.Gln19Leu). This variant is present in population databases (rs200547781, gnomAD 0.2%), and has an allele count higher than expected for a pathogenic variant. This variant has not been reported in the literature in individuals affected with MAX-related conditions. ClinVar contains an entry for this variant (Variation ID: 404106). An algorithm developed to predict the effect of missense changes on protein structure and function (PolyPhen-2) suggests that this variant is likely to be tolerated. In summary, the available evidence is currently insufficient to determine the role of this variant in disease. Therefore, it has been classified as a Variant of Uncertain Significance.

GeneDx
Classification: Uncertain significance. Last evaluated: 2025-06-30. Review status: criteria provided, single submitter. Criteria: GeneDx Variant Classification Process June 2021. Collection method: clinical testing. Allele origin: germline.
Comment: In silico analysis suggests that this missense variant does not alter protein structure/function; Has not been previously published as pathogenic or benign to our knowledge

Baylor Genetics
Classification: Uncertain significance for Pheochromocytoma. Last evaluated: 2023-10-06. Review status: criteria provided, single submitter. Criteria: ACMG Guidelines, 2015. Collection method: clinical testing. Allele origin: unknown.

PreventionGenetics, part of Exact Sciences
Classification: Uncertain significance for MAX-related condition. Last evaluated: 2023-01-19. Review status: criteria provided, single submitter. Criteria: ACMG Guidelines, 2015. Collection method: clinical testing. Allele origin: germline.
Comment: The MAX c.56A>T variant is predicted to result in the amino acid substitution p.Gln19Leu. To our knowledge, this variant has not been reported in the literature. This variant is reported in 0.21% of alleles in individuals of Ashkenazi Jewish descent in gnomAD. It is interpreted as uncertain in ClinVar by the vast majority of clinical submitters. At this time, the clinical significance of this variant is uncertain due to the absence of conclusive functional and genetic evidence.

Ambry Genetics
Classification: Likely benign for Hereditary cancer-predisposing syndrome. Last evaluated: 2022-11-23. Review status: criteria provided, single submitter. Criteria: Ambry Variant Classification Scheme 2023. Collection method: clinical testing. Allele origin: germline.

Sema4
Classification: Uncertain significance for Hereditary cancer-predisposing syndrome. Last evaluated: 2022-01-14. Review status: criteria provided, single submitter. Criteria: Sema4 Curation Guidelines. Collection method: curation. Allele origin: germline.
Comment: The MAX c.56A>T (p.Q19L) variant has not been reported in individuals with MAX-related disease. It was observed in 21/9982 chromosomes in the Ashkenazi Jewish subpopulation according to the Genome Aggregation Database (PMID: 32461654). This variant has been reported in ClinVar (Variation ID: 404106). Functional studies have not been performed, and in silico predictions of the variant's effect on protein function are inconclusive. The evidence is insufficient to meet ACMG/AMP criteria for classifying the variant as benign or pathogenic. Thus, the clinical significance of this variant is currently uncertain.

Quest Diagnostics Nichols Institute San Juan Capistrano
Classification: Benign. Last evaluated: 2021-08-27. Review status: criteria provided, single submitter. Criteria: Quest Diagnostics criteria. Collection method: clinical testing. Allele origin: unknown.

Illumina Laboratory Services, Illumina
Classification: Likely benign for Pheochromocytoma. Last evaluated: 2018-01-12. Review status: criteria provided, single submitter. Criteria: ICSL Variant Classification Criteria 13 December 2019. Collection method: clinical testing. Allele origin: germline.
Comment: This variant was observed in the ICSL laboratory as part of a predisposition screen in an ostensibly healthy population. It had not been previously curated by ICSL or reported in the Human Gene Mutation Database (HGMD: prior to June 1st, 2018), and was therefore a candidate for classification through an automated scoring system. Utilizing variant allele frequency, disease prevalence and penetrance estimates, and inheritance mode, an automated score was calculated to assess if this variant is too frequent to cause the disease. Based on the score and internal cut-off values, a variant classified as likely benign is not then subjected to further curation. The score for this variant resulted in a classification of likely benign for this disease.

NM_002382.5(MAX):c.56A>T (p.Gln19Leu)

Gene: MAX (MYC associated transcriptional regulator X; minus strand). Cytogenetic location: 14q23.3.
Variant type: single nucleotide variant.
Coding change: c.56A>T on transcript NM_002382.5 (MANE Select); coding-DNA position 56, A replaced by T.
Protein change: p.Gln19Leu; replaces glutamine 19 with leucine.
Molecular consequence: missense variant. On other transcripts: 5 prime UTR variant (1), intron variant (3).
Genome position (GRCh38, 1-based): chr14:65,101,553, T>A on the plus strand (A>T on the coding strand, the complement: MAX is on the minus strand). VCF-style: chr14-65101553-T-A. GRCh37 (hg19) VCF-style: chr14-65568271-T-A.
Other names: c.-219A>T (NM_001320415.2); c.56A>T, p.Gln19Leu (NM_145113.3, NM_145114.3, NM_197957.4); c.36+751A>T (NM_001271069.2, NM_145112.3, NM_001271068.2); short protein forms Q19L.
Identifiers: ClinVar variation 404106 (VCV000404106.24), dbSNP rs200547781, ClinGen allele CA7232993.